The following is an entry in ClinVar:

NM_017410.3(HOXC13):c.736+7A>G

Gene: HOXC13 (homeobox C13; plus strand). Cytogenetic location: 12q13.13.
Variant type: single nucleotide variant.
Coding change: c.736+7A>G on transcript NM_017410.3 (MANE Select); 7 bases into the intron after coding-DNA position 736, A replaced by G.
Molecular consequence: intron variant.
Genome position (GRCh38, 1-based): chr12:53,939,649, A>G. VCF-style: chr12-53939649-A-G. GRCh37 (hg19) VCF-style: chr12-54333433-A-G.
Identifiers: ClinVar variation 3039700 (VCV003039700.2), dbSNP rs2540125802, ClinGen allele CA2740092390.

ClinVar aggregate classification (germline): Likely benign (0 of 4 stars; one submission).

Conditions:
HOXC13-related disorder. Also called: HOXC13-related condition.

Submission:

PreventionGenetics, part of Exact Sciences
Classification: Likely benign for HOXC13-related condition. Last evaluated: 2020-05-04. Review status: no assertion criteria provided. Collection method: clinical testing. Allele origin: germline.
Comment: This variant is classified as likely benign based on ACMG/AMP sequence variant interpretation guidelines (Richards et al. 2015 PMID: 25741868, with internal and published modifications).